The following is an entry in ClinVar:

NM_001162501.2(TNRC6B):c.1432dup (p.Arg478fs)

Gene: TNRC6B (trinucleotide repeat containing adaptor 6B; plus strand). Cytogenetic location: 22q13.1.
Variant type: Duplication.
Coding change: c.1432dup on transcript NM_001162501.2 (MANE Select); coding-DNA position 1432, one base duplicated (A; older notation c.1432dupA).
Protein change: p.Arg478fs; shifts the reading frame from arginine 478.
Molecular consequence: frameshift variant. On other transcripts: intron variant (1).
Genome position (GRCh38, 1-based): chr22:40,265,662, A duplicated. VCF-style (leftmost placement, unchanged base first): chr22-40265661-C-CA. GRCh37 (hg19) VCF-style: chr22-40661665-C-CA.
Other names: c.1432dup, p.Arg478fs (NM_015088.3); c.565+3489dup (NM_001024843.2); short protein forms R478fs.
Identifiers: ClinVar variation 4291126 (VCV004291126.1).

ClinVar aggregate classification (germline): Pathogenic (1 of 4 stars; one submission).

Conditions:
Global developmental delay with speech and behavioral abnormalities. Identifiers: MedGen C5543226, MONDO:0030995, OMIM 619243.

Submission:

Institute of Human Genetics, University of Leipzig Medical Center
Classification: Pathogenic for Global developmental delay with speech and behavioral abnormalities. Last evaluated: 2025-09-25. Review status: criteria provided, single submitter. Criteria: ACMG Guidelines, 2015. Collection method: clinical testing. Allele origin: unknown. Inheritance: Autosomal dominant inheritance. Affected: yes.
Comment: Criteria applied: PVS1,PM2